The following is an entry in ClinVar:

NM_000081.4(LYST):c.10262G>A (p.Ser3421Asn)

Gene: LYST (lysosomal trafficking regulator; minus strand). Cytogenetic location: 1q42.3.
Variant type: single nucleotide variant.
Coding change: c.10262G>A on transcript NM_000081.4 (MANE Select); coding-DNA position 10262, G replaced by A.
Protein change: p.Ser3421Asn; replaces serine 3421 with asparagine.
Molecular consequence: missense variant.
Genome position (GRCh38, 1-based): chr1:235,702,859, C>T on the plus strand (G>A on the coding strand, the complement: LYST is on the minus strand). VCF-style: chr1-235702859-C-T. GRCh37 (hg19) VCF-style: chr1-235866159-C-T.
Other names: c.10262G>A, p.Ser3421Asn (NM_001301365.1); short protein forms S3421N.
Identifiers: ClinVar variation 2128686 (VCV002128686.4), dbSNP rs1393412593, ClinGen allele CA344931630.

ClinVar aggregate classification (germline): Uncertain significance (1 of 4 stars; one submission).

Conditions:
Chédiak-Higashi syndrome (CHS). Also called: Chediak-Higashi Syndrome. Identifiers: Orphanet 167, MedGen C0007965, MONDO:0008963, OMIM 214500.

Submission:

Labcorp Genetics (formerly Invitae), Labcorp
Classification: Uncertain significance for Chédiak-Higashi syndrome. Last evaluated: 2022-04-21. Review status: criteria provided, single submitter. Criteria: Invitae Variant Classification Sherloc (09022015). Collection method: clinical testing. Allele origin: germline.
Comment: In summary, the available evidence is currently insufficient to determine the role of this variant in disease. Therefore, it has been classified as a Variant of Uncertain Significance. Algorithms developed to predict the effect of missense changes on protein structure and function output the following: SIFT: "Tolerated"; PolyPhen-2: "Benign"; Align-GVGD: "Class C0". The asparagine amino acid residue is found in multiple mammalian species, which suggests that this missense change does not adversely affect protein function. This variant has not been reported in the literature in individuals affected with LYST-related conditions. This variant is not present in population databases (gnomAD no frequency). This sequence change replaces serine, which is neutral and polar, with asparagine, which is neutral and polar, at codon 3421 of the LYST protein (p.Ser3421Asn).